The following is an entry in ClinVar:

ClinVar aggregate classification (germline): Benign/Likely benign. Review status: criteria provided, multiple submitters, no conflicts (2 of 4 stars). 3 submissions from 3 submitters: Benign (1); Likely benign (2). Last evaluated 2026-04-30.

Conditions:
Colorectal cancer, hereditary nonpolyposis, type 7. Identifiers: Orphanet 144, MedGen C1858380, MONDO:0013725, OMIM 614385.

Allele frequency attached by ClinVar (database versions not stated): TOPMed below 0.00001; ExAC 0.00001; gnomAD 0.00001; gnomAD exomes 0.00001.
gnomAD v4.1: 8 of 1,613,728 alleles (0.0005%); highest among the groups gnomAD compares: Middle Eastern, 0.016%; no homozygotes.

Submissions (3):

Myriad Genetics, Inc.
Classification: Benign for Colorectal cancer, hereditary nonpolyposis, type 7. Last evaluated: 2026-04-30. Review status: criteria provided, single submitter. Criteria: Myriad Autosomal Dominant, Autosomal Recessive and X-Linked Classification Criteria (2023). Collection method: clinical testing. Allele origin: unknown.
Comment: This variant is considered benign. This variant is a silent/synonymous amino acid change and it is not expected to impact splicing.

Labcorp Genetics (formerly Invitae), Labcorp
Classification: Likely benign for Colorectal cancer, hereditary nonpolyposis, type 7. Last evaluated: 2026-01-07. Review status: criteria provided, single submitter. Criteria: Invitae Variant Classification Sherloc (09022015). Collection method: clinical testing. Allele origin: germline.

Ambry Genetics
Classification: Likely benign. Last evaluated: 2019-10-15. Review status: criteria provided, single submitter. Criteria: Ambry Variant Classification Scheme 2023. Collection method: clinical testing. Allele origin: germline.

NM_001040108.2(MLH3):c.1737A>G (p.Thr579=)

Gene: MLH3 (mutL homolog 3; minus strand). Cytogenetic location: 14q24.3.
Variant type: single nucleotide variant.
Coding change: c.1737A>G on transcript NM_001040108.2 (MANE Select); coding-DNA position 1737, A replaced by G.
Protein change: p.Thr579=; no amino-acid change (threonine 579 retained).
Molecular consequence: synonymous variant.
Genome position (GRCh38, 1-based): chr14:75,047,919, T>C on the plus strand (A>G on the coding strand, the complement: MLH3 is on the minus strand). VCF-style: chr14-75047919-T-C. GRCh37 (hg19) VCF-style: chr14-75514622-T-C.
Other names: c.1737A>G, p.Thr579= (NM_014381.3).
Identifiers: ClinVar variation 1779095 (VCV001779095.8), dbSNP rs750951222, ClinGen allele CA7275829.
Genomic context (GRCh38, chr14:75,047,919, plus strand): 5'-CCCATAACTAAAAACATTTCTTCTTCCACAATTGCTAGATTCTTTTTTTTTCTCTTTCTC[T>C]GTCTGAGCACTATGTACTCCCCATAATGTTGTTGCAAAAGGCAGAGGCTGGCATCCCACT-3'
Protein context (NP_001035197.1, residues 569-589): TTLWGVHSAQ[Thr579=]EKEKKKESSN